The following is an entry in ClinVar:

ClinVar aggregate classification (germline): Uncertain significance (1 of 4 stars; one submission).

gnomAD v4.1: 2 of 1,612,822 alleles (0.00012%); highest among the groups gnomAD compares: South Asian, 0.0011%; no homozygotes.

Submission:

Dasa
Classification: Uncertain significance. Last evaluated: 2024-12-13. Review status: criteria provided, single submitter. Criteria: DASA Assertion Criteria. Collection method: clinical testing. Allele origin: germline.
Comment: NM_032590.5(KDM2B):c.2327G>A (p.Arg776His) is a missense variant that results in the substitution of arginine with histidine. This variant is rare in population databases. Computational prediction algorithms are consistent with a benign effect. The currently available literature and clinical evidence are not sufficient to establish a definitive association between this variant and the reported condition. Therefore, this variant is classified as a variant of uncertain significance.

NM_032590.5(KDM2B):c.2327G>A (p.Arg776His)

Gene: KDM2B (lysine demethylase 2B; minus strand). Cytogenetic location: 12q24.31.
Variant type: single nucleotide variant.
Coding change: c.2327G>A on transcript NM_032590.5 (MANE Select); coding-DNA position 2327, G replaced by A.
Protein change: p.Arg776His; replaces arginine 776 with histidine.
Molecular consequence: missense variant.
Genome position (GRCh38, 1-based): chr12:121,444,136, C>T on the plus strand (G>A on the coding strand, the complement: KDM2B is on the minus strand). VCF-style: chr12-121444136-C-T. GRCh37 (hg19) VCF-style: chr12-121881939-C-T.
Other names: c.2294G>A, p.Arg765His (NM_001439021.1); c.2264G>A, p.Arg755His (NM_001439022.1, NM_001439023.1, NM_001439029.1); c.2234G>A, p.Arg745His (NM_001439025.1, NM_001439026.1, NM_001005366.2); c.2216G>A, p.Arg739His (NM_001439028.1); c.647G>A, p.Arg216His (NM_001439032.1); c.2423G>A, p.Arg808His (NM_001439014.1, NM_001439015.1); c.2405G>A, p.Arg802His (NM_001439016.1); c.2327G>A, p.Arg776His (NM_001439017.1, NM_001439018.1); and 1 more; short protein forms R216H, R739H, R745H, R755H, R765H, R771H, R776H, R802H.
Identifiers: ClinVar variation 4885720 (VCV004885720.2).
Genomic context (GRCh38, chr12:121,444,136, plus strand): 5'-TCAGACTTTCTGCGCAGAAGGCCGTCCGGCGGCACCTTCTTCGAGTGCTCATCCGACCTG[C>T]GCCGGGGCGCCTCCTCACACTCACTCCTCCGCTTGGCAGGTTCCTGCCCTTCCTTGTTGT-3'
Protein context (NP_115979.3, residues 766-786): RRSECEEAPR[Arg776His]RSDEHSKKVP